The following is an entry in ClinVar:

ClinVar aggregate classification (germline): Uncertain significance (1 of 4 stars; one submission).

gnomAD v4.1: 4 of 1,614,002 alleles (0.00025%); highest among the groups gnomAD compares: East Asian, 0.0045%; no homozygotes.

Submission:

Labcorp Genetics (formerly Invitae), Labcorp
Classification: Uncertain significance. Last evaluated: 2023-06-09. Review status: criteria provided, single submitter. Criteria: Invitae Variant Classification Sherloc (09022015). Collection method: clinical testing. Allele origin: germline.
Comment: This sequence change replaces alanine, which is neutral and non-polar, with threonine, which is neutral and polar, at codon 1120 of the DSCAML1 protein (p.Ala1120Thr). In summary, the available evidence is currently insufficient to determine the role of this variant in disease. Therefore, it has been classified as a Variant of Uncertain Significance. An algorithm developed to predict the effect of missense changes on protein structure and function (PolyPhen-2) suggests that this variant is likely to be tolerated. This variant has not been reported in the literature in individuals affected with DSCAML1-related conditions. This variant is present in population databases (no rsID available, gnomAD 0.006%).

NM_020693.4(DSCAML1):c.3178G>A (p.Ala1060Thr)

Gene: DSCAML1 (DS cell adhesion molecule like 1; minus strand). Cytogenetic location: 11q23.3.
Variant type: single nucleotide variant.
Coding change: c.3178G>A on transcript NM_020693.4 (MANE Select); coding-DNA position 3178, G replaced by A.
Protein change: p.Ala1060Thr; replaces alanine 1060 with threonine.
Molecular consequence: missense variant.
Genome position (GRCh38, 1-based): chr11:117,465,029, C>T on the plus strand (G>A on the coding strand, the complement: DSCAML1 is on the minus strand). VCF-style: chr11-117465029-C-T. GRCh37 (hg19) VCF-style: chr11-117335745-C-T.
Other names: short protein forms A1060T.
Identifiers: ClinVar variation 2794273 (VCV002794273.3), dbSNP rs372736535, ClinGen allele CA382739062.